The following is an entry in ClinVar:

NM_002470.4(MYH3):c.5007G>A (p.Lys1669=)

Gene: MYH3 (myosin heavy chain 3; minus strand). Cytogenetic location: 17p13.1.
Variant type: single nucleotide variant.
Coding change: c.5007G>A on transcript NM_002470.4 (MANE Select); coding-DNA position 5007, G replaced by A.
Protein change: p.Lys1669=; no amino-acid change (lysine 1669 retained).
Molecular consequence: synonymous variant.
Genome position (GRCh38, 1-based): chr17:10,631,966, C>T on the plus strand (G>A on the coding strand, the complement: MYH3 is on the minus strand). VCF-style: chr17-10631966-C-T. GRCh37 (hg19) VCF-style: chr17-10535283-C-T.
Other names: c.5007G>A (NM_002470.3).
Identifiers: ClinVar variation 2050165 (VCV002050165.6), dbSNP rs778068837, ClinGen allele CA8392068.

ClinVar aggregate classification (germline): Likely benign. Review status: criteria provided, single submitter (1 of 4 stars). 2 submissions from 2 submitters: Likely benign (1). 1 of the submissions does not count toward it. Last evaluated 2024-07-25.

Conditions:
MYH3-related disorder. Also called: MYH3-Related Disorders; MYH3-related condition. Identifiers: MedGen CN239329.

Allele frequency attached by ClinVar (database versions not stated): gnomAD exomes 0.00001; TOPMed 0.00011; gnomAD 0.00005; ExAC 0.00002.
gnomAD v4.1: 21 of 1,613,898 alleles (0.0013%); highest among the groups gnomAD compares: Middle Eastern, 0.068%; no homozygotes.

Submissions (2):

Labcorp Genetics (formerly Invitae), Labcorp
Classification: Likely benign. Last evaluated: 2024-07-25. Review status: criteria provided, single submitter. Criteria: Invitae Variant Classification Sherloc (09022015). Collection method: clinical testing. Allele origin: germline.

PreventionGenetics, part of Exact Sciences
Classification: Likely benign for MYH3-related condition. Last evaluated: 2019-03-14. Review status: no assertion criteria provided. Collection method: clinical testing. Allele origin: germline. Not counted in ClinVar's aggregate classification.
Comment: This variant is classified as likely benign based on ACMG/AMP sequence variant interpretation guidelines (Richards et al. 2015 PMID: 25741868, with internal and published modifications).